The following is an entry in ClinVar:

ClinVar aggregate classification (germline): Likely benign. Review status: criteria provided, multiple submitters, no conflicts (2 of 4 stars). 2 submissions from 2 submitters: Likely benign (2). Last evaluated 2025-08-20.

Allele frequency attached by ClinVar (database versions not stated): gnomAD 0.00004; TOPMed 0.00002; ExAC 0.00008; gnomAD exomes 0.00006.
gnomAD v4.1: 44 of 1,608,068 alleles (0.0027%); highest among the groups gnomAD compares: Non-Finnish European, 0.0037%; no homozygotes.

Submissions (2):

Labcorp Genetics (formerly Invitae), Labcorp
Classification: Likely benign. Last evaluated: 2025-08-20. Review status: criteria provided, single submitter. Criteria: Invitae Variant Classification Sherloc (09022015). Collection method: clinical testing. Allele origin: germline.

Mayo Clinic Laboratories, Mayo Clinic
Classification: Likely benign. Last evaluated: 2025-01-02. Review status: criteria provided, single submitter. Criteria: ACMG Guidelines, 2015. Collection method: clinical testing. Allele origin: germline. Observed: 1 variant allele.
Comment: BP4, BP7

NM_005138.3(SCO2):c.195C>G (p.Gly65=)

Genes: NCAPH2 (non-SMC condensin II complex subunit H2; plus strand), SCO2 (synthesis of cytochrome C oxidase 2; minus strand). Cytogenetic location: 22q13.33.
Variant type: single nucleotide variant.
Coding change: c.195C>G on transcript NM_005138.3 (MANE Select); coding-DNA position 195, C replaced by G.
Protein change: p.Gly65=; no amino-acid change (glycine 65 retained).
Molecular consequence: synonymous variant. On other transcripts: 3 prime UTR variant (2).
Genome position (GRCh38, 1-based): chr22:50,524,217, G>C on the plus strand (C>G on the coding strand, the complement: SCO2 is on the minus strand). VCF-style: chr22-50524217-G-C. GRCh37 (hg19) VCF-style: chr22-50962646-G-C.
Other names: p.Gly65=; c.*842G>C (NM_001185011.2, NM_152299.4); c.195C>G, p.Gly65= (NM_001169109.2, NM_001169110.1, NM_001169111.2); c.195C>G (NM_005138.2).
Identifiers: ClinVar variation 1619254 (VCV001619254.9), dbSNP rs765629884, ClinGen allele CA10321271.
Genomic context (GRCh38, chr22:50,524,217, plus strand): 5'-CAGCCTCTCCTTCTCAGCCCTCAGGGCCAGCCAGGCCCCACCGAGTCCAGCCCCGAACAG[G>C]CCTGTGATCAGCAGCCGGGTTCGAAGCCCAGGGCCCTGGGGCTGGCCCTGCCCACCTGTC-3'
Protein context (NP_005129.2, residues 55-75): PGLRTRLLIT[Gly65=]LFGAGLGGAW